The following is an entry in ClinVar:

ClinVar aggregate classification (germline): Benign (1 of 4 stars; one submission).

Allele frequency attached by ClinVar (database versions not stated): gnomAD 0.00425; 1000 Genomes Project 0.00719.
gnomAD v4.1: 637 of 149,852 alleles (0.43%); highest among the groups gnomAD compares: Middle Eastern, 1.7%; 5 homozygotes.

Submission:

CeGaT Center for Human Genetics Tuebingen
Classification: Benign. Last evaluated: 2023-01-01. Review status: criteria provided, single submitter. Criteria: CeGaT Center For Human Genetics Tuebingen Variant Classification Criteria Version 2. Collection method: clinical testing. Allele origin: germline. Affected: yes. Observed: 1 variant allele.
Comment: GRTP1: BS1, BS2

NM_024719.4(GRTP1):c.465+2873C>G

Gene: GRTP1 (growth hormone regulated TBC protein 1; minus strand). Cytogenetic location: 13q34.
Variant type: single nucleotide variant.
Coding change: c.465+2873C>G on transcript NM_024719.4 (MANE Select); 2873 bases into the intron after coding-DNA position 465, C replaced by G.
Molecular consequence: intron variant.
Genome position (GRCh38, 1-based): chr13:113,347,976, G>C on the plus strand (C>G on the coding strand, the complement: GRTP1 is on the minus strand). VCF-style: chr13-113347976-G-C. GRCh37 (hg19) VCF-style: chr13-114002291-G-C.
Other names: c.465+2873C>G (NM_001286733.1, NM_001286732.2); c.231+2873C>G (NM_001411029.1).
Identifiers: ClinVar variation 2644001 (VCV002644001.24), dbSNP rs147762384, ClinGen allele CA256520957.